The following is an entry in ClinVar:

NM_198060.4(NRAP):c.116T>C (p.Met39Thr)

Gene: NRAP (nebulin related anchoring protein; minus strand). Cytogenetic location: 10q25.3.
Variant type: single nucleotide variant.
Coding change: c.116T>C on transcript NM_198060.4 (MANE Select); coding-DNA position 116, T replaced by C.
Protein change: p.Met39Thr; replaces methionine 39 with threonine.
Molecular consequence: missense variant.
Genome position (GRCh38, 1-based): chr10:113,663,403, A>G on the plus strand (T>C on the coding strand, the complement: NRAP is on the minus strand). VCF-style: chr10-113663403-A-G. GRCh37 (hg19) VCF-style: chr10-115423162-A-G.
Other names: c.116T>C, p.Met39Thr (NM_001261463.2, NM_001322945.2, NM_006175.5); short protein forms M39T.
Identifiers: ClinVar variation 4076472 (VCV004076472.1), dbSNP rs761148353.
Genomic context (GRCh38, chr10:113,663,403, plus strand): 5'-AACACTTACGCGTGACAGTACGGCTTTTTCTGGTGACTCACAAAGTTATTAACAGACAGC[A>G]TCATCTTGCAAACTTCACAGTGAAAACAGGCTTTATGCCATATCTAGAAATCATATAGAG-3'
Protein context (NP_932326.2, residues 29-49): ACFHCEVCKM[Met39Thr]LSVNNFVSHQ

ClinVar aggregate classification (germline): Uncertain significance (1 of 4 stars; one submission).

Conditions:
Cardiovascular phenotype. Identifiers: MedGen CN230736.

gnomAD v4.1: 7 of 1,613,474 alleles (0.00043%); highest among the groups gnomAD compares: Non-Finnish European, 0.00059%; no homozygotes.

Submission:

Molecular Diagnostic Laboratory for Inherited Cardiovascular Disease, Montreal Heart Institute
Classification: Uncertain significance for Cardiovascular phenotype. Last evaluated: 2025-07-24. Review status: criteria provided, single submitter. Criteria: ACMG Guidelines, 2015. Collection method: clinical testing. Allele origin: germline. Affected: yes.
Comment: PM2